The following is an entry in ClinVar:

ClinVar aggregate classification (germline): Uncertain significance (1 of 4 stars; one submission).

Allele frequency attached by ClinVar (database versions not stated): gnomAD exomes below 0.00001.
gnomAD v4.1: 2 of 1,607,692 alleles (0.00012%); highest among the groups gnomAD compares: East Asian, 0.0022%; no homozygotes.

Submission:

Labcorp Genetics (formerly Invitae), Labcorp
Classification: Uncertain significance. Last evaluated: 2021-11-12. Review status: criteria provided, single submitter. Criteria: Invitae Variant Classification Sherloc (09022015). Collection method: clinical testing. Allele origin: germline.
Comment: In summary, the available evidence is currently insufficient to determine the role of this variant in disease. Therefore, it has been classified as a Variant of Uncertain Significance. Variants that disrupt the consensus splice site are a relatively common cause of aberrant splicing (PMID: 17576681, 9536098). Algorithms developed to predict the effect of sequence changes on RNA splicing suggest that this variant may disrupt the consensus splice site. This variant has not been reported in the literature in individuals affected with SPECC1L-related conditions. This variant is not present in population databases (gnomAD no frequency). This sequence change falls in intron 14 of the SPECC1L gene. It does not directly change the encoded amino acid sequence of the SPECC1L protein. It affects a nucleotide within the consensus splice site.

Literature cited by the submitters: PubMed 17576681; PubMed 9536098.

NM_015330.6(SPECC1L):c.3087+3A>G

Genes: SPECC1L (sperm antigen with calponin homology and coiled-coil domains 1 like; plus strand), SPECC1L-ADORA2A (SPECC1L-ADORA2A readthrough (NMD candidate); plus strand). Cytogenetic location: 22q11.23.
Variant type: single nucleotide variant.
Coding change: c.3087+3A>G on transcript NM_015330.6 (MANE Select); 3 bases into the intron after coding-DNA position 3087, A replaced by G.
Molecular consequence: intron variant.
Genome position (GRCh38, 1-based): chr22:24,369,323, A>G. VCF-style: chr22-24369323-A-G. GRCh37 (hg19) VCF-style: chr22-24765291-A-G.
Other names: c.3087+3A>G (NM_001145468.4, NM_001254732.3); c.285+3A>G (NM_001254733.2).
Identifiers: ClinVar variation 1392800 (VCV001392800.6), dbSNP rs2146647227, ClinGen allele CA2573157948.